The following is an entry in ClinVar:

NM_015335.5(MED13L):c.6274C>G (p.Gln2092Glu)

Gene: MED13L (mediator complex subunit 13L; minus strand). Cytogenetic location: 12q24.21.
Variant type: single nucleotide variant.
Coding change: c.6274C>G on transcript NM_015335.5 (MANE Select); coding-DNA position 6274, C replaced by G.
Protein change: p.Gln2092Glu; replaces glutamine 2092 with glutamic acid.
Molecular consequence: missense variant.
Genome position (GRCh38, 1-based): chr12:115,966,195, G>C on the plus strand (C>G on the coding strand, the complement: MED13L is on the minus strand). VCF-style: chr12-115966195-G-C. GRCh37 (hg19) VCF-style: chr12-116404000-G-C.
Other names: short protein forms Q2092E.
Identifiers: ClinVar variation 976386 (VCV000976386.2), dbSNP rs1876147349, ClinGen allele CA386875357.

ClinVar aggregate classification (germline): Conflicting classifications of pathogenicity. Review status: criteria provided, conflicting classifications (1 of 4 stars). 2 submissions from 2 submitters: Pathogenic (1); Uncertain significance (1). Last evaluated 2024-12-04.

Conditions:
Cardiac anomalies - developmental delay - facial dysmorphism syndrome (MRFACD). Also called: Impaired intellectual development and distinctive facial features with or without cardiac defects; MED13L Syndrome. Identifiers: Orphanet 369891, MedGen C5192431, MONDO:0014773, OMIM 616789.

Submissions (2):

GeneDx
Classification: Pathogenic. Last evaluated: 2024-12-04. Review status: criteria provided, single submitter. Criteria: GeneDx Variant Classification Process June 2021. Collection method: clinical testing. Allele origin: germline. Affected: yes.
Comment: Not observed at significant frequency in large population cohorts (gnomAD); In silico analysis supports that this missense variant has a deleterious effect on protein structure/function; This variant is associated with the following publications: (PMID: 36672771)

Institute of Human Genetics, University of Leipzig Medical Center
Classification: Uncertain significance for Cardiac anomalies - developmental delay - facial dysmorphism syndrome. Last evaluated: 2016-12-12. Review status: criteria provided, single submitter. Criteria: ACMG Guidelines, 2015. Collection method: clinical testing. Allele origin: germline. Affected: yes. Observed: 1 variant allele.